The following is an entry in ClinVar:

ClinVar aggregate classification (germline): Likely benign (0 of 4 stars; one submission).

Conditions:
SEMA3A-related disorder. Also called: SEMA3A-related condition.

Submission:

PreventionGenetics, part of Exact Sciences
Classification: Likely benign for SEMA3A-related condition. Last evaluated: 2021-08-04. Review status: no assertion criteria provided. Collection method: clinical testing. Allele origin: germline.
Comment: This variant is classified as likely benign based on ACMG/AMP sequence variant interpretation guidelines (Richards et al. 2015 PMID: 25741868, with internal and published modifications).

NM_006080.3(SEMA3A):c.1861-9dup

Gene: SEMA3A (semaphorin 3A; minus strand). Cytogenetic location: 7q21.11.
Variant type: Duplication.
Coding change: c.1861-9dup on transcript NM_006080.3 (MANE Select); 9 bases into the intron before coding-DNA position 1861, one base duplicated (A; older notation c.1861-9dupA).
Molecular consequence: intron variant.
Genome position (GRCh38, 1-based): chr7:83,961,835, T duplicated on the plus strand (A on the coding strand, the reverse complement: SEMA3A is on the minus strand); the first of 2 consecutive T bases (chr7:83,961,835-83,961,836); duplicating either gives the same sequence. VCF-style (leftmost placement, unchanged base first): chr7-83961834-G-GT. GRCh37 (hg19) VCF-style: chr7-83591150-G-GT.
Identifiers: ClinVar variation 3357942 (VCV003357942.1).